The following is an entry in ClinVar:

NM_020693.4(DSCAML1):c.-68G>A

Gene: DSCAML1 (DS cell adhesion molecule like 1; minus strand). Cytogenetic location: 11q23.3.
Variant type: single nucleotide variant.
Coding change: c.-68G>A on transcript NM_020693.4 (MANE Select); 68 bases upstream of the start codon, G replaced by A.
Molecular consequence: 5 prime UTR variant. On other transcripts: intron variant (1).
Genome position (GRCh38, 1-based): chr11:117,797,147, C>T on the plus strand (G>A on the coding strand, the complement: DSCAML1 is on the minus strand). VCF-style: chr11-117797147-C-T. GRCh37 (hg19) VCF-style: chr11-117667862-C-T.
Other names: c.-68G>A (NM_001367904.1); c.-362-16337G>A (NM_001367905.1).
Identifiers: ClinVar variation 1507968 (VCV001507968.6), dbSNP rs767847964, ClinGen allele CA6297699.

ClinVar aggregate classification (germline): Uncertain significance (1 of 4 stars; one submission).

gnomAD v4.1: 59 of 1,589,018 alleles (0.0037%); highest among the groups gnomAD compares: East Asian, 0.071%; no homozygotes.

Submission:

Labcorp Genetics (formerly Invitae), Labcorp
Classification: Uncertain significance. Last evaluated: 2024-08-13. Review status: criteria provided, single submitter. Criteria: Invitae Variant Classification Sherloc (09022015). Collection method: clinical testing. Allele origin: germline.
Comment: This sequence change replaces arginine, which is basic and polar, with glutamine, which is neutral and polar, at codon 38 of the DSCAML1 protein (p.Arg38Gln). This variant is present in population databases (rs767847964, gnomAD 0.1%), and has an allele count higher than expected for a pathogenic variant. This variant has not been reported in the literature in individuals affected with DSCAML1-related conditions. ClinVar contains an entry for this variant (Variation ID: 1507968). Experimental studies and prediction algorithms are not available or were not evaluated, and the functional significance of this variant is currently unknown. In summary, the available evidence is currently insufficient to determine the role of this variant in disease. Therefore, it has been classified as a Variant of Uncertain Significance.